The following is an entry in ClinVar:

NM_152327.5(AK7):c.1990G>T (p.Glu664Ter)

Gene: AK7 (adenylate kinase 7; plus strand). Cytogenetic location: 14q32.2.
Variant type: single nucleotide variant.
Coding change: c.1990G>T on transcript NM_152327.5 (MANE Select); coding-DNA position 1990, G replaced by T.
Protein change: p.Glu664Ter; replaces glutamic acid 664 with a stop codon.
Molecular consequence: nonsense.
Genome position (GRCh38, 1-based): chr14:96,486,913, G>T. VCF-style: chr14-96486913-G-T. GRCh37 (hg19) VCF-style: chr14-96953250-G-T.
Other names: c.1921G>T, p.Glu641Ter (NM_001350888.2, NM_001350890.2); c.1912G>T, p.Glu638Ter (NM_001350891.2); c.1792G>T, p.Glu598Ter (NM_001350892.2); short protein forms E598*, E641*, E638*, E664*.
Identifiers: ClinVar variation 2980854 (VCV002980854.3), dbSNP rs2504681106, ClinGen allele CA390925948.

ClinVar aggregate classification (germline): Uncertain significance (1 of 4 stars; one submission).

Submission:

Labcorp Genetics (formerly Invitae), Labcorp
Classification: Uncertain significance. Last evaluated: 2023-06-06. Review status: criteria provided, single submitter. Criteria: Invitae Variant Classification Sherloc (09022015). Collection method: clinical testing. Allele origin: germline.
Comment: In summary, the available evidence is currently insufficient to determine the role of this variant in disease. Therefore, it has been classified as a Variant of Uncertain Significance. This variant has not been reported in the literature in individuals affected with AK7-related conditions. This variant is not present in population databases (gnomAD no frequency). This sequence change creates a premature translational stop signal (p.Glu664*) in the AK7 gene. It is expected to result in an absent or disrupted protein product. However, the current clinical and genetic evidence is not sufficient to establish whether loss-of-function variants in AK7 cause disease.